The following is an entry in ClinVar:

ClinVar aggregate classification (germline): Pathogenic (1 of 4 stars; one submission).

Conditions:
Maple syrup urine disease (MSUD). Identifiers: Orphanet 511, MedGen C0024776, MeSH D008375, MONDO:0009563. Disease mechanism: loss of function.

Allele frequency attached by ClinVar (database versions not stated): gnomAD exomes below 0.00001.
gnomAD v4.1: 1 of 1,608,876 alleles (0.000062%); highest among the groups gnomAD compares: Admixed American, 0.0017%; no homozygotes.

Submission:

Labcorp Genetics (formerly Invitae), Labcorp
Classification: Pathogenic for Maple syrup urine disease. Last evaluated: 2023-05-19. Review status: criteria provided, single submitter. Criteria: Invitae Variant Classification Sherloc (09022015). Collection method: clinical testing. Allele origin: germline.
Comment: This sequence change creates a premature translational stop signal (p.Gly223*) in the BCKDHB gene. It is expected to result in an absent or disrupted protein product. Loss-of-function variants in BCKDHB are known to be pathogenic (PMID: 16786533, 22593002). The frequency data for this variant in the population databases is considered unreliable, as metrics indicate poor data quality at this position in the gnomAD database. This premature translational stop signal has been observed in individual(s) with maple syrup urine disease (Invitae). ClinVar contains an entry for this variant (Variation ID: 1440763). For these reasons, this variant has been classified as Pathogenic.

Literature cited by the submitters: PubMed 16786533; PubMed 22593002.

NM_183050.4(BCKDHB):c.667G>T (p.Gly223Ter)

Gene: BCKDHB (branched chain keto acid dehydrogenase E1 subunit beta; plus strand). Cytogenetic location: 6q14.1.
Variant type: single nucleotide variant.
Coding change: c.667G>T on transcript NM_183050.4 (MANE Select); coding-DNA position 667, G replaced by T.
Protein change: p.Gly223Ter; replaces glycine 223 with a stop codon.
Molecular consequence: nonsense. On other transcripts: non-coding transcript variant (1).
Genome position (GRCh38, 1-based): chr6:80,171,315, G>T. VCF-style: chr6-80171315-G-T. GRCh37 (hg19) VCF-style: chr6-80881032-G-T.
Other names: c.667G>T, p.Gly223Ter (NM_000056.5); c.457G>T, p.Gly153Ter (NM_001318975.1); short protein forms G223*, G153*.
Identifiers: ClinVar variation 1440763 (VCV001440763.8), dbSNP rs1248040495, ClinGen allele CA364658601.